The following is an entry in ClinVar:

ClinVar aggregate classification (germline): Conflicting classifications of pathogenicity. Review status: criteria provided, conflicting classifications (1 of 4 stars). 3 submissions from 3 submitters: Uncertain significance (1); Likely benign (1). 1 of the submissions does not count toward it. Last evaluated 2023-11-06.

Conditions:
GPRASP1-related disorder. Also called: GPRASP1-related condition.

Allele frequency attached by ClinVar (database versions not stated): ExAC 0.00018; gnomAD 0.00020; TOPMed 0.00021; gnomAD exomes 0.00034.

Submissions (3):

Ambry Genetics
Classification: Uncertain significance. Last evaluated: 2023-11-06. Review status: criteria provided, single submitter. Criteria: Ambry Variant Classification Scheme 2023. Collection method: clinical testing. Allele origin: germline.

CeGaT Center for Human Genetics Tuebingen
Classification: Likely benign. Last evaluated: 2022-12-01. Review status: criteria provided, single submitter. Criteria: CeGaT Center For Human Genetics Tuebingen Variant Classification Criteria Version 2. Collection method: clinical testing. Allele origin: germline. Affected: yes. Observed: 1 variant allele.
Comment: GPRASP1: BP4, BS2

PreventionGenetics, part of Exact Sciences
Classification: Likely benign for GPRASP1-related condition. Last evaluated: 2023-01-05. Review status: no assertion criteria provided. Collection method: clinical testing. Allele origin: germline. Not counted in ClinVar's aggregate classification.
Comment: This variant is classified as likely benign based on ACMG/AMP sequence variant interpretation guidelines (Richards et al. 2015 PMID: 25741868, with internal and published modifications).

NM_001184727.2(GPRASP1):c.2204C>T (p.Thr735Ile)

Genes: ARMCX5-GPRASP2 (ARMCX5-GPRASP2 readthrough; plus strand), GPRASP1 (G protein-coupled receptor associated sorting protein 1; plus strand). Cytogenetic location: Xq22.1.
Variant type: single nucleotide variant.
Coding change: c.2204C>T on transcript NM_001184727.2 (MANE Select); coding-DNA position 2204, C replaced by T.
Protein change: p.Thr735Ile; replaces threonine 735 with isoleucine.
Molecular consequence: missense variant. On other transcripts: intron variant (2).
Genome position (GRCh38, 1-based): chrX:102,656,117, C>T. VCF-style: chrX-102656117-C-T. GRCh37 (hg19) VCF-style: chrX-101911045-C-T.
Other names: c.2204C>T (NM_001184727.1); c.2204C>T, p.Thr735Ile (NM_001099410.2, NM_001099411.2, NM_014710.5); c.-480+50464C>T (NM_001199818.1); c.-966+50464C>T (NM_001350268.2); short protein forms T735I.
Identifiers: ClinVar variation 2661083 (VCV002661083.26), dbSNP rs200940188, ClinGen allele CA10476197.